The following is an entry in ClinVar:

NM_004260.4(RECQL4):c.3622C>G (p.Arg1208Gly)

Gene: RECQL4 (RecQ like helicase 4; minus strand). Cytogenetic location: 8q24.3.
Variant type: single nucleotide variant.
Coding change: c.3622C>G on transcript NM_004260.4 (MANE Select); coding-DNA position 3622, C replaced by G.
Protein change: p.Arg1208Gly; replaces arginine 1208 with glycine.
Molecular consequence: missense variant.
Genome position (GRCh38, 1-based): chr8:144,511,436, G>C on the plus strand (C>G on the coding strand, the complement: RECQL4 is on the minus strand). VCF-style: chr8-144511436-G-C. GRCh37 (hg19) VCF-style: chr8-145736819-G-C.
Other names: short protein forms R1208G.
Identifiers: ClinVar variation 851593 (VCV000851593.5), dbSNP rs41555416, ClinGen allele CA4947622.

ClinVar aggregate classification (germline): Uncertain significance. Review status: criteria provided, multiple submitters, no conflicts (2 of 4 stars). 2 submissions from 2 submitters: Uncertain significance (2). Last evaluated 2026-08-06.

Conditions:
Rothmund-Thomson syndrome type 2 (RTS2). Identifiers: Orphanet 221016, MedGen C5203410, MONDO:0016369, OMIM 268400.
Baller-Gerold syndrome (BGS). Also called: CRANIOSYNOSTOSIS WITH RADIAL DEFECTS. Identifiers: Orphanet 1225, MedGen C0265308, MONDO:0009039, OMIM 218600.

Allele frequency attached by ClinVar (database versions not stated): TOPMed 0.00002.
gnomAD v4.1: 11 of 1,612,222 alleles (0.00068%); highest among the groups gnomAD compares: Middle Eastern, 0.033%; no homozygotes.

Submissions (2):

OLLIN Analises Genomicas, OLLIN
Classification: Uncertain significance for Rothmund-Thomson syndrome type 2. Last evaluated: 2026-08-06. Review status: criteria provided, single submitter. Criteria: ACMG Guidelines 2015 PMID 25741868. Collection method: clinical testing. Allele origin: germline. Inheritance: Autosomal recessive inheritance.
Comment: This missense variant, located in exon 21 (of 21), has been reported in ClinVar (accession VCV000239771.34) and in gnomAD with an allele frequency of 0.00068%. However, to our knowledge, it has not been reported in the scientific literature. In silico analysis is inconclusive regarding the impact of this variant. According to the currently available evidence, this variant has been classified as uncertain significance (PM2_P).

Labcorp Genetics (formerly Invitae), Labcorp
Classification: Uncertain significance for Baller-Gerold syndrome. Last evaluated: 2023-10-13. Review status: criteria provided, single submitter. Criteria: Invitae Variant Classification Sherloc (09022015). Collection method: clinical testing. Allele origin: germline.
Comment: This sequence change replaces arginine, which is basic and polar, with glycine, which is neutral and non-polar, at codon 1208 of the RECQL4 protein (p.Arg1208Gly). This variant is present in population databases (rs41555416, gnomAD 0.006%). This variant has not been reported in the literature in individuals affected with RECQL4-related conditions. ClinVar contains an entry for this variant (Variation ID: 851593). Experimental studies and prediction algorithms are not available or were not evaluated, and the functional significance of this variant is currently unknown. In summary, the available evidence is currently insufficient to determine the role of this variant in disease. Therefore, it has been classified as a Variant of Uncertain Significance.